The following is an entry in ClinVar:

NM_001201550.3(CFHR4):c.617A>G (p.Asn206Ser)

Gene: CFHR4 (complement factor H related 4; plus strand). Cytogenetic location: 1q31.3.
Variant type: single nucleotide variant.
Coding change: c.617A>G on transcript NM_001201550.3 (MANE Select); coding-DNA position 617, A replaced by G.
Protein change: p.Asn206Ser; replaces asparagine 206 with serine.
Molecular consequence: missense variant. On other transcripts: intron variant (1).
Genome position (GRCh38, 1-based): chr1:196,907,316, A>G. VCF-style: chr1-196907316-A-G. GRCh37 (hg19) VCF-style: chr1-196876446-A-G.
Other names: p.Asn205Ser; c.614A>G, p.Asn205Ser (NM_001201551.2); c.256+4701A>G (NM_006684.5); short protein forms N205S, N206S.
Identifiers: ClinVar variation 2224911 (VCV002224911.5), dbSNP rs115298512, ClinGen allele CA1306891.

ClinVar aggregate classification (germline): Conflicting classifications of pathogenicity. Review status: criteria provided, conflicting classifications (1 of 4 stars). 3 submissions from 3 submitters: Uncertain significance (2); Likely benign (1). Last evaluated 2024-02-16.

Allele frequency attached by ClinVar (database versions not stated): 1000 Genomes Project 0.00020; 1000 Genomes Project 30x 0.00031; ExAC 0.00061; gnomAD 0.00074.
gnomAD v4.1: 1,781 of 1,606,412 alleles (0.11%); highest among the groups gnomAD compares: Non-Finnish European, 0.15%; 13 homozygotes.

Submissions (3):

Women's Health and Genetics/Laboratory Corporation of America, LabCorp
Classification: Likely benign. Last evaluated: 2024-02-16. Review status: criteria provided, single submitter. Criteria: LabCorp Variant Classification Summary - May 2015. Collection method: clinical testing. Allele origin: germline.
Comment: Variant summary: CFHR4 c.617A>G (p.Asn206Ser) results in a conservative amino acid change in the encoded protein sequence. Four of four in-silico tools predict a benign effect of the variant on protein function. The variant also alters a nucleotide in the exonic splice region of exon 5. Consensus agreement among computation tools predict no significant impact on normal splicing. However, these predictions have yet to be confirmed by functional studies. The variant allele was found at a frequency of 0.00064 in 248070 control chromosomes in the gnomAD database, including 2 homozygotes. The observed variant frequency is approximately 4-fold of the estimated maximal expected allele frequency for a pathogenic variant in CFHR4 causing Genetic Atypical Hemolytic Uremic Syndrome phenotype (0.00016), strongly suggesting that the variant is benign. To our knowledge, no occurrence of c.617A>G in individuals affected with Genetic Atypical Hemolytic Uremic Syndrome and no experimental evidence demonstrating its impact on protein function have been reported. ClinVar contains an entry for this variant (Variation ID: 2224911). Based on the evidence outlined above, the variant was classified as likely benign.

Ambry Genetics
Classification: Uncertain significance. Last evaluated: 2024-01-17. Review status: criteria provided, single submitter. Criteria: Ambry Variant Classification Scheme 2023. Collection method: clinical testing. Allele origin: germline.

Mayo Clinic Laboratories, Mayo Clinic
Classification: Uncertain significance. Last evaluated: 2023-04-28. Review status: criteria provided, single submitter. Criteria: ACMG Guidelines, 2015. Collection method: clinical testing. Allele origin: germline. Observed: 1 variant allele.
Comment: BP4